The following is an entry in ClinVar:

ClinVar aggregate classification (germline): Uncertain significance (1 of 4 stars; one submission).

Conditions:
Duchenne muscular dystrophy (DMD). Also called: MUSCULAR DYSTROPHY, PSEUDOHYPERTROPHIC PROGRESSIVE, DUCHENNE TYPE; Duchenne Muscular Dystrophy (DMD). Identifiers: Orphanet 98896, MedGen C0013264, MONDO:0010679, OMIM 310200.

gnomAD v4.1: 2 of 1,205,529 alleles (0.00017%); highest among the groups gnomAD compares: Non-Finnish European, 0.00011%; no homozygotes.

Submission:

Labcorp Genetics (formerly Invitae), Labcorp
Classification: Uncertain significance for Duchenne muscular dystrophy. Last evaluated: 2024-08-22. Review status: criteria provided, single submitter. Criteria: Invitae Variant Classification Sherloc (09022015). Collection method: clinical testing. Allele origin: germline.
Comment: This sequence change replaces leucine, which is neutral and non-polar, with isoleucine, which is neutral and non-polar, at codon 1166 of the DMD protein (p.Leu1166Ile). This variant is not present in population databases (gnomAD no frequency). This variant has not been reported in the literature in individuals affected with DMD-related conditions. Invitae Evidence Modeling of protein sequence and biophysical properties (such as structural, functional, and spatial information, amino acid conservation, physicochemical variation, residue mobility, and thermodynamic stability) indicates that this missense variant is not expected to disrupt DMD protein function with a negative predictive value of 95%. In summary, the available evidence is currently insufficient to determine the role of this variant in disease. Therefore, it has been classified as a Variant of Uncertain Significance.

NM_004006.3(DMD):c.3496C>A (p.Leu1166Ile)

Gene: DMD (dystrophin; minus strand). Cytogenetic location: Xp21.1.
Variant type: single nucleotide variant.
Coding change: c.3496C>A on transcript NM_004006.3 (MANE Select); coding-DNA position 3496, C replaced by A.
Protein change: p.Leu1166Ile; replaces leucine 1166 with isoleucine.
Molecular consequence: missense variant.
Genome position (GRCh38, 1-based): chrX:32,454,769, G>T on the plus strand (C>A on the coding strand, the complement: DMD is on the minus strand). VCF-style: chrX-32454769-G-T. GRCh37 (hg19) VCF-style: chrX-32472886-G-T.
Other names: c.3472C>A, p.Leu1158Ile (NM_000109.4); c.3484C>A, p.Leu1162Ile (NM_004009.3); c.3127C>A, p.Leu1043Ile (NM_004010.3); short protein forms L1162I, L1166I, L1043I, L1158I.
Identifiers: ClinVar variation 3630909 (VCV003630909.2).